The following continues an entry in ClinVar:

NM_025114.4(CEP290):c.4393C>T (p.Arg1465Ter)

Gene: CEP290. ClinVar aggregate classification (germline): Pathogenic. Pathogenic (1).

Submissions 13 to 19 of 19:

Genetic Services Laboratory, University of Chicago
Classification: Pathogenic for Meckel syndrome 4. Last evaluated: 2016-01-04. Review status: criteria provided, single submitter. Criteria: ACMG Guidelines, 2015. Collection method: clinical testing. Allele origin: germline. Affected: yes. Not counted in ClinVar's aggregate classification.

UW Hindbrain Malformation Research Program, University of Washington
Classification: Pathogenic for Joubert syndrome 5. Last evaluated: 2015-02-23. Review status: criteria provided, single submitter. Criteria: Bachmann-Gagescu et al. (J Med Genet. 2015). Collection method: research. Allele origin: unknown. Affected: yes. Not counted in ClinVar's aggregate classification.

PreventionGenetics, part of Exact Sciences
Classification: Pathogenic for CEP290-related condition. Last evaluated: 2024-09-06. Review status: no assertion criteria provided. Collection method: clinical testing. Allele origin: germline. Not counted in ClinVar's aggregate classification.
Comment: The CEP290 c.4393C>T variant is predicted to result in premature protein termination (p.Arg1465*). This variant has been reported in the homozygous state as causative for Joubert syndrome (Bachmann-Gagescu et al. 2015. PubMed ID: 26092869), and in the compound heterozygous state as causative for Leber congenital amaurosis (Coppieters et al. 2010. PubMed ID: 20683928; Bravo-Gil et al. 2017. PubMed ID: 28157192; Sheck et al. 2018. PubMed ID: 29398085). This variant is reported in 0.0057% of alleles in individuals of Latino descent in gnomAD. Nonsense variants in CEP290 are expected to be pathogenic. This variant is interpreted as pathogenic.

Sharon lab, Hadassah-Hebrew University Medical Center
Classification: Pathogenic for Leber congenital amaurosis. Last evaluated: 2019-06-23. Review status: no assertion criteria provided. Collection method: research. Allele origin: inherited. Affected: yes. Not counted in ClinVar's aggregate classification.

Diagnostic Laboratory, Department of Genetics, University Medical Center Groningen
Classification: Pathogenic. Review status: no assertion criteria provided. Collection method: clinical testing. Allele origin: germline. Affected: yes. Study: VKGL Data-share Consensus. Not counted in ClinVar's aggregate classification.

Genome Diagnostics Laboratory, University Medical Center Utrecht
Classification: Pathogenic. Review status: no assertion criteria provided. Collection method: clinical testing. Allele origin: germline. Affected: yes. Study: VKGL Data-share Consensus. Not counted in ClinVar's aggregate classification.

Joint Genome Diagnostic Labs from Nijmegen and Maastricht, Radboudumc and MUMC+
Classification: Pathogenic. Review status: no assertion criteria provided. Collection method: clinical testing. Allele origin: germline. Affected: yes. Study: VKGL Data-share Consensus. Not counted in ClinVar's aggregate classification.

Literature cited by the submitters: PubMed 29398085 (cited by Dasa and Labcorp Genetics (formerly Invitae), Labcorp); PubMed 20683928 (cited by 4 submitters); PubMed 16909394 (cited by Labcorp Genetics (formerly Invitae), Labcorp); PubMed 17345604 (cited by Labcorp Genetics (formerly Invitae), Labcorp); PubMed 20690115 (cited by Labcorp Genetics (formerly Invitae), Labcorp); PubMed 17564967 (cited by Molecular Genetics, Royal Melbourne Hospital); PubMed 35005812 (cited by Molecular Genetics, Royal Melbourne Hospital).